The following is an entry in ClinVar:

ClinVar aggregate classification (germline): Likely pathogenic (1 of 4 stars; one submission).

Conditions:
RYR1-related disorder. Also called: RYR1-related disorders; RYR1-related condition. Identifiers: MedGen CN239331.

Submission:

Labcorp Genetics (formerly Invitae), Labcorp
Classification: Likely pathogenic for RYR1-related disorder. Last evaluated: 2022-12-07. Review status: criteria provided, single submitter. Criteria: Invitae Variant Classification Sherloc (09022015). Collection method: clinical testing. Allele origin: germline.
Comment: This sequence change affects a donor splice site in intron 74 of the RYR1 gene. It is expected to disrupt RNA splicing. Variants that disrupt the donor or acceptor splice site typically lead to a loss of protein function (PMID: 16199547), and loss-of-function variants in RYR1 are known to be pathogenic (PMID: 20583297, 20839240, 23919265, 28818389). This variant is not present in population databases (gnomAD no frequency). In summary, the currently available evidence indicates that the variant is pathogenic, but additional data are needed to prove that conclusively. Therefore, this variant has been classified as Likely Pathogenic. Algorithms developed to predict the effect of sequence changes on RNA splicing suggest that this variant may disrupt the consensus splice site. ClinVar contains an entry for this variant (Variation ID: 571396). This variant has not been reported in the literature in individuals affected with RYR1-related conditions.

Literature cited by the submitters: PubMed 16199547; PubMed 20583297; PubMed 20839240; PubMed 23919265; PubMed 28818389.

NM_000540.3(RYR1):c.10937+1G>A

Gene: RYR1 (ryanodine receptor 1; plus strand). Cytogenetic location: 19q13.2.
Variant type: single nucleotide variant.
Coding change: c.10937+1G>A on transcript NM_000540.3 (MANE Select); the canonical splice donor site of the intron after coding-DNA position 10937, G replaced by A.
Molecular consequence: splice donor variant.
Genome position (GRCh38, 1-based): chr19:38,528,419, G>A. VCF-style: chr19-38528419-G-A. GRCh37 (hg19) VCF-style: chr19-39019059-G-A.
Other names: c.10922+1G>A (NM_001042723.2).
Identifiers: ClinVar variation 571396 (VCV000571396.9), dbSNP rs775682151, ClinGen allele CA405649669.